The following is an entry in ClinVar:

ClinVar aggregate classification (germline): Likely benign. Review status: criteria provided, single submitter (1 of 4 stars). 2 submissions from 2 submitters: Likely benign (1). 1 of the submissions does not count toward it. Last evaluated 2026-01-22.

Conditions:
DNAH1-related disorder. Also called: DNAH1-related condition.
Spermatogenic failure 18. Identifiers: MedGen C4539783, MONDO:0054615, OMIM 617576.
Ciliary dyskinesia, primary, 37 (CILD37). Also called: CILIARY DYSKINESIA, PRIMARY, 37, WITH OR WITHOUT SITUS INVERSUS. Identifiers: MedGen C4539798, MONDO:0033204, OMIM 617577.

Allele frequency attached by ClinVar (database versions not stated): 1000 Genomes Project 30x 0.00125; 1000 Genomes Project 0.00140; gnomAD exomes 0.00009 and 0.00015; ExAC 0.00020; ESP Exome Variant Server 0.00063; gnomAD 0.00068 and 0.00072; TOPMed 0.00074.
gnomAD v4.1: 241 of 1,613,756 alleles (0.015%); highest among the groups gnomAD compares: African/African-American, 0.27%; 1 homozygote.

Submissions (2):

Labcorp Genetics (formerly Invitae), Labcorp
Classification: Likely benign for Ciliary dyskinesia, primary, 37; Spermatogenic failure 18. Last evaluated: 2026-01-22. Review status: criteria provided, single submitter. Criteria: Invitae Variant Classification Sherloc (09022015). Collection method: clinical testing. Allele origin: germline.

PreventionGenetics, part of Exact Sciences
Classification: Likely benign for DNAH1-related condition. Last evaluated: 2024-07-26. Review status: no assertion criteria provided. Collection method: clinical testing. Allele origin: germline. Not counted in ClinVar's aggregate classification.
Comment: This variant is classified as likely benign based on ACMG/AMP sequence variant interpretation guidelines (Richards et al. 2015 PMID: 25741868, with internal and published modifications).

NM_015512.5(DNAH1):c.7123A>C (p.Lys2375Gln)

Gene: DNAH1 (dynein axonemal heavy chain 1; plus strand). Cytogenetic location: 3p21.1.
Variant type: single nucleotide variant.
Coding change: c.7123A>C on transcript NM_015512.5 (MANE Select); coding-DNA position 7123, A replaced by C.
Protein change: p.Lys2375Gln; replaces lysine 2375 with glutamine.
Molecular consequence: missense variant.
Genome position (GRCh38, 1-based): chr3:52,375,377, A>C. VCF-style: chr3-52375377-A-C. GRCh37 (hg19) VCF-style: chr3-52409393-A-C.
Other names: short protein forms K2375Q.
Identifiers: ClinVar variation 478486 (VCV000478486.11), dbSNP rs149319231, ClinGen allele CA2434759.